The following is an entry in ClinVar:

NM_015570.4(AUTS2):c.1932+10C>G

Gene: AUTS2 (activator of transcription and developmental regulator AUTS2; plus strand). Cytogenetic location: 7q11.22.
Variant type: single nucleotide variant.
Coding change: c.1932+10C>G on transcript NM_015570.4 (MANE Select); 10 bases into the intron after coding-DNA position 1932, C replaced by G.
Molecular consequence: intron variant.
Genome position (GRCh38, 1-based): chr7:70,775,396, C>G. VCF-style: chr7-70775396-C-G. GRCh37 (hg19) VCF-style: chr7-70240382-C-G.
Other names: c.1860+10C>G (NM_001127231.3).
Identifiers: ClinVar variation 2630989 (VCV002630989.1), dbSNP rs2484779683, ClinGen allele CA2695198493.

ClinVar aggregate classification (germline): Uncertain significance (1 of 4 stars; one submission).

Conditions:
AUTS2-related disorder. Also called: AUTS2-related condition.

Submission:

PreventionGenetics, part of Exact Sciences
Classification: Uncertain significance for AUTS2-related condition. Last evaluated: 2023-09-25. Review status: criteria provided, single submitter. Criteria: ACMG Guidelines, 2015. Collection method: clinical testing. Allele origin: germline.
Comment: The AUTS2 c.1932+10C>G variant is predicted to interfere with splicing. To our knowledge, this variant has not been reported in the literature or in a large population database, indicating this variant is rare. However, the use of computer prediction programs is not equivalent to functional evidence, and therefore the clinical significance of this variant is uncertain.